The following is an entry in ClinVar:

ClinVar aggregate classification (germline): Uncertain significance. Review status: criteria provided, multiple submitters, no conflicts (2 of 4 stars). 3 submissions from 3 submitters: Uncertain significance (2). 1 of the submissions does not count toward it. Last evaluated 2023-03-06.

Conditions:
Nemaline myopathy 2 (NEM2). Also called: Nemaline myopathy 2, autosomal recessive. Identifiers: MedGen C1850569, MONDO:0009725, OMIM 256030.
Inborn genetic diseases. Identifiers: MedGen C0950123, MeSH D030342.

Allele frequency attached by ClinVar (database versions not stated): TOPMed 0.00001.
gnomAD v4.1: 6 of 1,613,784 alleles (0.00037%); highest among the groups gnomAD compares: Admixed American, 0.0033%; no homozygotes.

Submissions (3):

Ambry Genetics
Classification: Uncertain significance for Inborn genetic diseases. Last evaluated: 2023-03-06. Review status: criteria provided, single submitter. Criteria: Ambry Variant Classification Scheme 2023. Collection method: clinical testing. Allele origin: germline.

Labcorp Genetics (formerly Invitae), Labcorp
Classification: Uncertain significance for Nemaline myopathy 2. Last evaluated: 2022-04-15. Review status: criteria provided, single submitter. Criteria: Invitae Variant Classification Sherloc (09022015). Collection method: clinical testing. Allele origin: germline.
Comment: This sequence change replaces arginine, which is basic and polar, with leucine, which is neutral and non-polar, at codon 1612 of the NEB protein (p.Arg1612Leu). This variant is present in population databases (rs534531948, gnomAD 0.0009%). This variant has not been reported in the literature in individuals affected with NEB-related conditions. ClinVar contains an entry for this variant (Variation ID: 465607). Algorithms developed to predict the effect of missense changes on protein structure and function are either unavailable or do not agree on the potential impact of this missense change (SIFT: "Deleterious"; PolyPhen-2: "Not Available"; Align-GVGD: "Class C0"). In summary, the available evidence is currently insufficient to determine the role of this variant in disease. Therefore, it has been classified as a Variant of Uncertain Significance.

Natera, Inc.
Classification: Uncertain significance for Nemaline myopathy type 2. Last evaluated: 2020-09-16. Review status: no assertion criteria provided. Collection method: clinical testing. Allele origin: germline. Not counted in ClinVar's aggregate classification.

NM_001164508.2(NEB):c.4835G>T (p.Arg1612Leu)

Gene: NEB (nebulin; minus strand). Cytogenetic location: 2q23.3.
Variant type: single nucleotide variant.
Coding change: c.4835G>T on transcript NM_001164508.2 (MANE Select); coding-DNA position 4835, G replaced by T.
Protein change: p.Arg1612Leu; replaces arginine 1612 with leucine.
Molecular consequence: missense variant.
Genome position (GRCh38, 1-based): chr2:151,666,286, C>A on the plus strand (G>T on the coding strand, the complement: NEB is on the minus strand). VCF-style: chr2-151666286-C-A. GRCh37 (hg19) VCF-style: chr2-152522800-C-A.
Other names: c.4835G>T, p.Arg1612Leu (NM_001164507.2, NM_001271208.2, NM_004543.5); c.4835G>T (NM_004543.4); short protein forms R1612L.
Identifiers: ClinVar variation 465607 (VCV000465607.6), dbSNP rs534531948, ClinGen allele CA1910522.